The following is an entry in ClinVar:

NM_031844.3(HNRNPU):c.149_156del (p.Arg50fs)

Gene: HNRNPU (heterogeneous nuclear ribonucleoprotein U; minus strand). Cytogenetic location: 1q44.
Variant type: Deletion.
Coding change: c.149_156del on transcript NM_031844.3 (MANE Select); coding-DNA positions 149 to 156, 8 bases deleted (GCCCCGCC; older notation c.149_156delGCCCCGCC).
Protein change: p.Arg50fs; shifts the reading frame from arginine 50.
Molecular consequence: frameshift variant.
Genome position (GRCh38, 1-based): chr1:244,864,152-244,864,159, GGCGGGGC deleted on the plus strand (GCCCCGCC on the coding strand, the reverse complement: HNRNPU is on the minus strand); deleting any 8 consecutive bases within chr1:244,864,152-244,864,162 gives the same sequence; the c. name uses the placement nearest the transcript's 3' end. VCF-style (leftmost placement, unchanged base first): chr1-244864151-TGGCGGGGC-T. GRCh37 (hg19) VCF-style: chr1-245027453-TGGCGGGGC-T.
Other names: c.149_156del, p.Arg50fs (NM_004501.3); short protein forms R50fs.
Identifiers: ClinVar variation 561030 (VCV000561030.3), dbSNP rs1558190846, ClinGen allele CA658821171.

ClinVar aggregate classification (germline): Conflicting classifications of pathogenicity. Review status: criteria provided, conflicting classifications (1 of 4 stars). 2 submissions from 2 submitters: Pathogenic (1); Uncertain significance (1). Last evaluated 2024-04-01.

Conditions:
Intellectual disability. Also called: Intellectual functioning disability; intellectual disabilities; Intellectual developmental disorder. Identifiers: MedGen C3714756, MeSH D008607, MONDO:0001071, HP:0001249.
Seizure. Also called: Seizures. Identifiers: MedGen C0036572, HP:0001250.
Developmental and epileptic encephalopathy, 54. Also called: Epileptic encephalopathy, early infantile, 54; HNRNPU-Related Neurodevelopmental Disorder. Identifiers: MedGen C4479319, MONDO:0033363, OMIM 617391.

Submissions (2):

Daryl Scott Lab, Baylor College of Medicine
Classification: Pathogenic for Developmental and epileptic encephalopathy, 54. Last evaluated: 2024-04-01. Review status: criteria provided, single submitter. Criteria: ACMG Guidelines, 2015. Collection method: clinical testing. Allele origin: de novo. Affected: yes. Observed: 1 heterozygote.
Comment: PVS1, PS2, PM2

Baylor Genetics
Classification: Uncertain significance for Intellectual disability; Seizure. Last evaluated: 2017-09-01. Review status: criteria provided, single submitter. Criteria: ACMG Guidelines, 2015. Collection method: clinical testing. Allele origin: de novo. Inheritance: Autosomal dominant inheritance. Affected: yes.
Comment: One de novo mutation in the gene was reported to cause multiple congenital abnormalities with seizures in one patient (PMID 23934111). In addition, gross deletion mutations of the gene have been found in multiple unrelated patients with syndromic seizure disorders (PMID 20382278, 21800092, 22678713 and 22975012).

Literature cited by the submitters: PubMed 25326635 (cited by Baylor Genetics).